The following is an entry in ClinVar:

NM_025074.7(FRAS1):c.3923A>G (p.Asn1308Ser)

Gene: FRAS1 (Fraser extracellular matrix complex subunit 1; plus strand). Cytogenetic location: 4q21.21.
Variant type: single nucleotide variant.
Coding change: c.3923A>G on transcript NM_025074.7 (MANE Select); coding-DNA position 3923, A replaced by G.
Protein change: p.Asn1308Ser; replaces asparagine 1308 with serine.
Molecular consequence: missense variant.
Genome position (GRCh38, 1-based): chr4:78,387,649, A>G. VCF-style: chr4-78387649-A-G. GRCh37 (hg19) VCF-style: chr4-79308803-A-G.
Other names: c.3923A>G, p.Asn1308Ser (NM_001166133.2); short protein forms N1308S.
Identifiers: ClinVar variation 4776259 (VCV004776259.1).

ClinVar aggregate classification (germline): Uncertain significance (1 of 4 stars; one submission).

gnomAD v4.1: 18 of 1,601,050 alleles (0.0011%); highest among the groups gnomAD compares: South Asian, 0.015%; no homozygotes.

Submission:

Labcorp Genetics (formerly Invitae), Labcorp
Classification: Uncertain significance. Last evaluated: 2025-03-10. Review status: criteria provided, single submitter. Criteria: Invitae Variant Classification Sherloc (09022015). Collection method: clinical testing. Allele origin: germline.
Comment: This sequence change replaces asparagine, which is neutral and polar, with serine, which is neutral and polar, at codon 1308 of the FRAS1 protein (p.Asn1308Ser). This variant is present in population databases (rs746971223, gnomAD 0.004%). This variant has not been reported in the literature in individuals affected with FRAS1-related conditions. Invitae Evidence Modeling of protein sequence and biophysical properties (such as structural, functional, and spatial information, amino acid conservation, physicochemical variation, residue mobility, and thermodynamic stability) indicates that this missense variant is not expected to disrupt FRAS1 protein function with a negative predictive value of 80%. In summary, the available evidence is currently insufficient to determine the role of this variant in disease. Therefore, it has been classified as a Variant of Uncertain Significance.